The following is an entry in ClinVar:

ClinVar aggregate classification (germline): Conflicting classifications of pathogenicity. Review status: criteria provided, conflicting classifications (1 of 4 stars). 2 submissions from 2 submitters: Uncertain significance (1); Likely benign (1). Last evaluated 2023-06-01.

Conditions:
Fanconi anemia complementation group J. Also called: BRIP1-Related Fanconi Anemia. Identifiers: Orphanet 84, MedGen C1836860, MONDO:0012187, OMIM 609054.

Allele frequency attached by ClinVar (database versions not stated): 1000 Genomes Project 0.00240; TOPMed 0.00529; gnomAD 0.00554 and 0.00558; 1000 Genomes Project 30x 0.00219.
gnomAD v4.1: 840 of 152,300 alleles (0.55%); highest among the groups gnomAD compares: Non-Finnish European, 0.96%; 8 homozygotes.

Submissions (2):

CeGaT Center for Human Genetics Tuebingen
Classification: Likely benign. Last evaluated: 2023-06-01. Review status: criteria provided, single submitter. Criteria: CeGaT Center For Human Genetics Tuebingen Variant Classification Criteria Version 2. Collection method: clinical testing. Allele origin: germline. Affected: yes. Observed: 5 variant alleles.
Comment: BRIP1: BS2

Illumina Laboratory Services, Illumina
Classification: Uncertain significance for Fanconi anemia complementation group J. Last evaluated: 2018-01-13. Review status: criteria provided, single submitter. Criteria: ICSL Variant Classification Criteria 13 December 2019. Collection method: clinical testing. Allele origin: germline.

NM_032043.3(BRIP1):c.*3489T>C

Gene: BRIP1 (BRCA1 interacting DNA helicase 1; minus strand). Cytogenetic location: 17q23.2.
Variant type: single nucleotide variant.
Coding change: c.*3489T>C on transcript NM_032043.3 (MANE Select); 3489 bases downstream of the stop codon, T replaced by C.
Molecular consequence: 3 prime UTR variant.
Genome position (GRCh38, 1-based): chr17:61,679,807, A>G on the plus strand (T>C on the coding strand, the complement: BRIP1 is on the minus strand). VCF-style: chr17-61679807-A-G. GRCh37 (hg19) VCF-style: chr17-59757168-A-G.
Identifiers: ClinVar variation 324293 (VCV000324293.29), dbSNP rs140891191, ClinGen allele CA10650599.